The following is an entry in ClinVar:

NM_002485.5(NBN):c.765_801del (p.Asn256fs)

Gene: NBN (nibrin; minus strand). Cytogenetic location: 8q21.3.
Variant type: Deletion.
Coding change: c.765_801del on transcript NM_002485.5 (MANE Select); coding-DNA positions 765 to 801, 37 bases deleted.
Protein change: p.Asn256fs; shifts the reading frame from asparagine 256.
Molecular consequence: frameshift variant.
Genome position (GRCh38, 1-based): chr8:89,970,459-89,970,495, 37 bases deleted; deleting any 37 consecutive bases within chr8:89,970,459-89,970,497 gives the same sequence; the c. name uses the placement nearest the transcript's 3' end. GRCh37 (hg19): chr8:90,982,689-90,982,725.
Other names: c.519_555del, p.Asn174fs (NM_001024688.3); short protein forms N174fs, N256fs.
Identifiers: ClinVar variation 1072749 (VCV001072749.7), dbSNP rs2129829309, ClinGen allele CA2499219435.

ClinVar aggregate classification (germline): Pathogenic (1 of 4 stars; one submission).

Conditions:
Microcephaly, normal intelligence and immunodeficiency (NBS). Also called: SEEMANOVA SYNDROME II; Immunodeficiency, microcephaly with normal intelligence; IMMUNODEFICIENCY, MICROCEPHALY, AND CHROMOSOMAL INSTABILITY; Ataxia telangiectasia variant V1; BERLIN BREAKAGE SYNDROME; Nijmegen breakage syndrome. Identifiers: Orphanet 647, MedGen C0398791, MONDO:0009623, OMIM 251260.

Submission:

Labcorp Genetics (formerly Invitae), Labcorp
Classification: Pathogenic for Microcephaly, normal intelligence and immunodeficiency. Last evaluated: 2023-06-27. Review status: criteria provided, single submitter. Criteria: Invitae Variant Classification Sherloc (09022015). Collection method: clinical testing. Allele origin: germline.
Comment: For these reasons, this variant has been classified as Pathogenic. Algorithms developed to predict the effect of sequence changes on RNA splicing suggest that this variant may disrupt the consensus splice site. ClinVar contains an entry for this variant (Variation ID: 1072749). This variant has not been reported in the literature in individuals affected with NBN-related conditions. This variant is not present in population databases (gnomAD no frequency). This sequence change creates a premature translational stop signal (p.Asn256Argfs*8) in the NBN gene. It is expected to result in an absent or disrupted protein product. Loss-of-function variants in NBN are known to be pathogenic (PMID: 9590180, 16415040).

Literature cited by the submitters: PubMed 9590180; PubMed 16415040.